The following is an entry in ClinVar:

NM_182914.3(SYNE2):c.2960G>A (p.Gly987Asp)

Gene: SYNE2 (spectrin repeat containing nuclear envelope protein 2; plus strand). Cytogenetic location: 14q23.2.
Variant type: single nucleotide variant.
Coding change: c.2960G>A on transcript NM_182914.3 (MANE Select); coding-DNA position 2960, G replaced by A.
Protein change: p.Gly987Asp; replaces glycine 987 with aspartic acid.
Molecular consequence: missense variant.
Genome position (GRCh38, 1-based): chr14:63,996,966, G>A. VCF-style: chr14-63996966-G-A. GRCh37 (hg19) VCF-style: chr14-64463684-G-A.
Other names: c.2960G>A, p.Gly987Asp (NM_015180.6); short protein forms G987D.
Identifiers: ClinVar variation 313498 (VCV000313498.5), dbSNP rs769535616, ClinGen allele CA7219843.
Genomic context (GRCh38, chr14:63,996,966, plus strand): 5'-ACTCACCAGAAGCACATTTCCTGCTTTATTTCTTCAATTAGGCCTGCTTTTCTGAGGAAG[G>A]CTGCCTGTACCAGCTTAATCACCACATGGAAGTCCTGAGGGAGCTGTGTGAAGAGCTGCC-3'
Protein context (NP_878918.2, residues 977-997): KEHEACFSEE[Gly987Asp]CLYQLNHHME

ClinVar aggregate classification (germline): Benign (1 of 4 stars; one submission).

Conditions:
Emery-Dreifuss muscular dystrophy 5, autosomal dominant (EDMD5). Also called: EMERY-DREIFUSS MUSCULAR DYSTROPHY 5. Identifiers: Orphanet 261, MedGen C2751805, MONDO:0013072, OMIM 612999.

Allele frequency attached by ClinVar (database versions not stated): ExAC 0.00003.
gnomAD v4.1: 13 of 1,614,038 alleles (0.00081%); highest among the groups gnomAD compares: South Asian, 0.012%; no homozygotes.

Submission:

Illumina Laboratory Services, Illumina
Classification: Benign for Emery-Dreifuss muscular dystrophy 5, autosomal dominant. Last evaluated: 2018-01-12. Review status: criteria provided, single submitter. Criteria: ICSL Variant Classification Criteria 13 December 2019. Collection method: clinical testing. Allele origin: germline.
Comment: This variant was observed in the ICSL laboratory as part of a predisposition screen in an ostensibly healthy population. It had not been previously curated by ICSL or reported in the Human Gene Mutation Database (HGMD: prior to June 1st, 2018), and was therefore a candidate for classification through an automated scoring system. Utilizing variant allele frequency, disease prevalence and penetrance estimates, and inheritance mode, an automated score was calculated to assess if this variant is too frequent to cause the disease. Based on the score and internal cut-off values, a variant classified as benign is not then subjected to further curation. The score for this variant resulted in a classification of benign for this disease.